The following is an entry in ClinVar:

ClinVar aggregate classification (germline): Uncertain significance (1 of 4 stars; one submission).

Conditions:
Intellectual developmental disorder 61. Also called: INTELLECTUAL DEVELOPMENTAL DISORDER, AUTOSOMAL DOMINANT 61; MENTAL RETARDATION, AUTOSOMAL DOMINANT 61. Identifiers: MedGen C5231400, MONDO:0032485, OMIM 618009.

Submission:

Clinical Genomics Laboratory, Stanford Medicine
Classification: Uncertain significance for Intellectual developmental disorder 61. Last evaluated: 2023-03-21. Review status: criteria provided, single submitter. Criteria: ACMG Guidelines, 2015. Collection method: clinical testing. Allele origin: paternal. Affected: yes. Observed: 2 variant alleles, 2 heterozygotes. Clinical features observed: Global developmental delay, wide based gait, hypotonia.
Comment: The p.Met1082Ile variant in the MED13 gene has not been previously reported in association with disease. This variant was absent from large population databases, including the Genome Aggregation Database. Computational tools predict that this variant is deleterious; however, the accuracy of in silico algorithms is limited. These data were assessed using the ACMG/AMP variant interpretation guidelines. In summary, the significance of the p.Met1082Ile variant is uncertain. Additional information is needed to resolve the significance of this variant. [ACMG evidence codes used: PM2; PP3]

NM_005121.3(MED13):c.3246G>A (p.Met1082Ile)

Gene: MED13 (mediator complex subunit 13; minus strand). Cytogenetic location: 17q23.2.
Variant type: single nucleotide variant.
Coding change: c.3246G>A on transcript NM_005121.3 (MANE Select); coding-DNA position 3246, G replaced by A.
Protein change: p.Met1082Ile; replaces methionine 1082 with isoleucine.
Molecular consequence: missense variant.
Genome position (GRCh38, 1-based): chr17:61,982,757, C>T on the plus strand (G>A on the coding strand, the complement: MED13 is on the minus strand). VCF-style: chr17-61982757-C-T. GRCh37 (hg19) VCF-style: chr17-60060118-C-T.
Other names: short protein forms M1082I.
Identifiers: ClinVar variation 3897938 (VCV003897938.1).